The following is an entry in ClinVar:

ClinVar aggregate classification (germline): Uncertain significance (1 of 4 stars; one submission).

Conditions:
Multiple endocrine neoplasia type 4. Also called: MULTIPLE ENDOCRINE NEOPLASIA, TYPE IV. Identifiers: Orphanet 276152, MedGen C1970712, MONDO:0012552, OMIM 610755.

Allele frequency attached by ClinVar (database versions not stated): gnomAD exomes below 0.00001; gnomAD 0.00001.
gnomAD v4.1: 2 of 1,614,036 alleles (0.00012%); highest among the groups gnomAD compares: Admixed American, 0.0017%; no homozygotes.

Submission:

Labcorp Genetics (formerly Invitae), Labcorp
Classification: Uncertain significance for Multiple endocrine neoplasia type 4. Last evaluated: 2024-05-15. Review status: criteria provided, single submitter. Criteria: Invitae Variant Classification Sherloc (09022015). Collection method: clinical testing. Allele origin: germline.
Comment: This sequence change replaces arginine, which is basic and polar, with tryptophan, which is neutral and slightly polar, at codon 43 of the CDKN1B protein (p.Arg43Trp). This variant is not present in population databases (gnomAD no frequency). This variant has not been reported in the literature in individuals affected with CDKN1B-related conditions. An algorithm developed to predict the effect of missense changes on protein structure and function (PolyPhen-2) suggests that this variant is likely to be disruptive. In summary, the available evidence is currently insufficient to determine the role of this variant in disease. Therefore, it has been classified as a Variant of Uncertain Significance.

NM_004064.5(CDKN1B):c.127C>T (p.Arg43Trp)

Gene: CDKN1B (cyclin dependent kinase inhibitor 1B; plus strand). Cytogenetic location: 12p13.1.
Variant type: single nucleotide variant.
Coding change: c.127C>T on transcript NM_004064.5 (MANE Select); coding-DNA position 127, C replaced by T.
Protein change: p.Arg43Trp; replaces arginine 43 with tryptophan.
Molecular consequence: missense variant.
Genome position (GRCh38, 1-based): chr12:12,717,966, C>T. VCF-style: chr12-12717966-C-T. GRCh37 (hg19) VCF-style: chr12-12870900-C-T.
Other names: short protein forms R43W.
Identifiers: ClinVar variation 2775701 (VCV002775701.3), dbSNP rs1946489200, ClinGen allele CA383968799.